The following is an entry in ClinVar:

NM_000363.5(TNNI3):c.539A>G (p.Asp180Gly)

Gene: TNNI3 (troponin I3, cardiac type; minus strand). Cytogenetic location: 19q13.42.
Variant type: single nucleotide variant.
Coding change: c.539A>G on transcript NM_000363.5 (MANE Select); coding-DNA position 539, A replaced by G.
Protein change: p.Asp180Gly; replaces aspartic acid 180 with glycine.
Molecular consequence: missense variant.
Genome position (GRCh38, 1-based): chr19:55,154,040, T>C on the plus strand (A>G on the coding strand, the complement: TNNI3 is on the minus strand). VCF-style: chr19-55154040-T-C. GRCh37 (hg19) VCF-style: chr19-55665408-T-C.
Other names: short protein forms D180G.
Identifiers: ClinVar variation 403557 (VCV000403557.26), dbSNP rs1060499912, ClinGen allele CA16609776.
Genomic context (GRCh38, chr19:55,154,040, plus strand): 5'-CACAGCCCTTCCCCTCAGCATCCTCTTTCCTGGCCTTAGCCCACACTCACCTTCTCGGTG[T>C]CCTCCTTCTTCACCTGCTTGAGGTGGGCCCGCAGGTCCAGGGACTCCTTAGCCCGGGCCC-3'
Protein context (NP_000354.4, residues 170-190): RAHLKQVKKE[Asp180Gly]TEKENREVGD

ClinVar aggregate classification (germline): Uncertain significance. Review status: criteria provided, multiple submitters, no conflicts (2 of 4 stars). 9 submissions from 9 submitters: Uncertain significance (6). 3 of the submissions do not count toward it. Last evaluated 2025-11-09.

Conditions:
TNNI3-related disorder. Also called: TNNI3-related disorders; TNNI3-related condition.
Cardiovascular phenotype. Identifiers: MedGen CN230736.
Cardiomyopathy (CMYO). Also called: Cardiomyopathies. Identifiers: Orphanet 167848, MedGen C0878544, MONDO:0004994, HP:0001638. Inheritance: Various modes of inheritance.
Hypertrophic cardiomyopathy. Also called: HYPERTROPHIC MYOCARDIOPATHY. Identifiers: Orphanet 217569, MedGen C0007194, MeSH D002312, MONDO:0005045, HP:0001639.

Allele frequency attached by ClinVar (database versions not stated): TOPMed 0.00001.

Submissions (9):

Labcorp Genetics (formerly Invitae), Labcorp
Classification: Uncertain significance for Hypertrophic cardiomyopathy. Last evaluated: 2025-11-09. Review status: criteria provided, single submitter. Criteria: Invitae Variant Classification Sherloc (09022015). Collection method: clinical testing. Allele origin: germline.
Comment: This sequence change replaces aspartic acid, which is acidic and polar, with glycine, which is neutral and non-polar, at codon 180 of the TNNI3 protein (p.Asp180Gly). This variant is not present in population databases (gnomAD no frequency). This missense change has been observed in individual(s) with TNNI3-related conditions (PMID: 20215591, 21483645, 21533915, 23785128, 30847666, 31112419, 31737537). ClinVar contains an entry for this variant (Variation ID: 403557). An algorithm developed to predict the effect of missense changes on protein structure and function (PolyPhen-2) suggests that this variant is likely to be disruptive. In summary, the available evidence is currently insufficient to determine the role of this variant in disease. Therefore, it has been classified as a Variant of Uncertain Significance.

PreventionGenetics, part of Exact Sciences
Classification: Uncertain significance for TNNI3-related condition. Last evaluated: 2025-09-08. Review status: criteria provided, single submitter. Criteria: ACMG Guidelines, 2015. Collection method: clinical testing. Allele origin: germline.
Comment: The TNNI3 c.539A>G variant is predicted to result in the amino acid substitution p.Asp180Gly. This variant has been reported in individuals with a personal and family history of TNNI3-related disorders such as dilated cardiomyopathy (DCM) (Hershberger et al. 2010. PubMed ID: 20215591; Rampersaud et al. 2011. PubMed ID: 21483645; Mook et al. 2013. PubMed ID: 23785128; Marschall et al. 2019. PubMed ID: 31737537) and left ventricular noncompaction (LVNC) (van den Wijngaard et al. 2011. PubMed ID: 21533915). This variant did not segregate with disease in a family with DCM, suggesting this variant may exhibit incomplete penetrance (Te Rijdt et al. 2019. PubMed ID: 31112419). This variant has not been reported in a large population database (gnomAD), indicating it is rare, and is consistently classified as uncertain in the ClinVar database (Variation ID: 403557). An alternate substitution impacting the same amino acid (p.Asp180Asn) was reported in a retrospective cohort study of individuals with cardiac conditions (Stafford et al. 2022. PubMed ID: 36578016). At this time, the clinical significance of this variant is uncertain due to the absence of conclusive functional and genetic evidence.

GeneDx
Classification: Uncertain significance. Last evaluated: 2025-01-31. Review status: criteria provided, single submitter. Criteria: GeneDx Variant Classification Process June 2021. Collection method: clinical testing. Allele origin: germline. Affected: yes.
Comment: Not observed at significant frequency in large population cohorts (gnomAD); In silico analysis supports that this missense variant has a deleterious effect on protein structure/function; This variant is associated with the following publications: (PMID: 23785128, 21533915, 20530761, 21483645, 31112419, 20215591, 31737537, 30847666)

Color Diagnostics, LLC DBA Color Health
Classification: Uncertain significance for Cardiomyopathy. Last evaluated: 2023-04-19. Review status: criteria provided, single submitter. Criteria: ACMG Guidelines, 2015. Collection method: clinical testing. Allele origin: germline.
Comment: This missense variant replaces aspartic acid with glycine at codon 180 of the TNNI3 protein. Computational prediction is inconclusive regarding the impact of this variant on protein structure and function (internally defined REVEL score threshold 0.5 < inconclusive < 0.7, PMID: 27666373). To our knowledge, functional studies have not been reported for this variant. This variant has been reported in individuals affected with dilated cardiomyopathy (PMID: 20215591, 21483645, 23785128, 25163546, 30847666, 31112419, 31737537). It has also been reported in an individual affected with left ventricular noncompaction (PMID: 20530761, 21533915, 31771441) and in an individual affected with noncompaction cardiomyopathy (PMID: 29447731). This variant has not been identified in the general population by the Genome Aggregation Database (gnomAD). The available evidence is insufficient to determine the role of this variant in disease conclusively. Therefore, this variant is classified as a Variant of Uncertain Significance.

Ambry Genetics
Classification: Uncertain significance for Cardiovascular phenotype. Last evaluated: 2019-09-25. Review status: criteria provided, single submitter. Criteria: Ambry Variant Classification Scheme 2023. Collection method: clinical testing. Allele origin: germline.
Comment: The p.D180G variant (also known as c.539A>G), located in coding exon 7 of the TNNI3 gene, results from an A to G substitution at nucleotide position 539. The aspartic acid at codon 180 is replaced by glycine, an amino acid with some similar properties. This variant has been reported in subjects with dilated cardiomyopathy (DCM) and left ventricular non-compaction (LVNC) (Hershberger RE, Circ Cardiovasc Genet 2010 Apr; 3(2):155-61; Hoedemaekers YM, Circ Cardiovasc Genet 2010 Jun; 3(3):232-9; Rampersaud E, Prog. Pediatr. Cardiol. 2011 Jan; 31(1):39-47). This variant was identified in one individual with DCM, but was not seen in the mother who also had features of DCM (Mook OR, J. Med. Genet. 2013 Sep; 50(9):614-26). This variant was also identified in a subject with LVNC, but was not seen in a maternal aunt who also had features of LVNC (Hoedemaekers YM, Circ Cardiovasc Genet 2010 Jun; 3(3):232-9). This amino acid position is well conserved in available vertebrate species. In addition, the in silico prediction for this alteration is inconclusive. Based on available evidence to date, the clinical significance of this variant remains unclear.

Laboratory for Molecular Medicine, Mass General Brigham Personalized Medicine
Classification: Uncertain significance. Last evaluated: 2016-08-12. Review status: criteria provided, single submitter. Criteria: LMM Criteria. Collection method: clinical testing. Allele origin: germline.
Comment: Variant identified in a genome or exome case(s) and assessed due to predicted null impact of the variant or pathogenic assertions in the literature or databases. Disclaimer: This variant has not undergone full assessment. The following are preliminary notes: Reported in 2 DCM and 1 LVNC probands, ClinVar: LP by GeneDx

Diagnostic Laboratory, Department of Genetics, University Medical Center Groningen
Classification: Uncertain significance. Review status: no assertion criteria provided. Collection method: clinical testing. Allele origin: germline. Affected: yes. Study: VKGL Data-share Consensus. Not counted in ClinVar's aggregate classification.

Genome Diagnostics Laboratory, University Medical Center Utrecht
Classification: Uncertain significance. Review status: no assertion criteria provided. Collection method: clinical testing. Allele origin: germline. Affected: yes. Study: VKGL Data-share Consensus. Not counted in ClinVar's aggregate classification.

Joint Genome Diagnostic Labs from Nijmegen and Maastricht, Radboudumc and MUMC+
Classification: Uncertain significance. Review status: no assertion criteria provided. Collection method: clinical testing. Allele origin: germline. Affected: yes. Study: VKGL Data-share Consensus. Not counted in ClinVar's aggregate classification.

Literature cited by the submitters: PubMed 20215591 (cited by 3 submitters); PubMed 21483645 (cited by 3 submitters); PubMed 21533915 (cited by Labcorp Genetics (formerly Invitae), Labcorp and Color Diagnostics, LLC DBA Color Health); PubMed 23785128 (cited by 3 submitters); PubMed 30847666 (cited by Labcorp Genetics (formerly Invitae), Labcorp and Color Diagnostics, LLC DBA Color Health); PubMed 31112419 (cited by Labcorp Genetics (formerly Invitae), Labcorp and Color Diagnostics, LLC DBA Color Health); PubMed 31737537 (cited by Labcorp Genetics (formerly Invitae), Labcorp and Color Diagnostics, LLC DBA Color Health); PubMed 20530761 (cited by Color Diagnostics, LLC DBA Color Health and Ambry Genetics); PubMed 25163546 (cited by Color Diagnostics, LLC DBA Color Health); PubMed 29447731 (cited by Color Diagnostics, LLC DBA Color Health); PubMed 31771441 (cited by Color Diagnostics, LLC DBA Color Health).